The following is an entry in ClinVar:

ClinVar aggregate classification (germline): Uncertain significance (1 of 4 stars; one submission).

Conditions:
Benign neonatal seizures. Also called: Benign familial neonatal epilepsy; Benign familial neonatal seizures; Convulsions benign familial neonatal dominant form; Autosomal dominant form of benign neonatal seizures; Benign neonatal familial convulsions. Identifiers: Orphanet 1949, MedGen C0220669, MONDO:0016027.

gnomAD v4.1: 6 of 1,614,214 alleles (0.00037%); highest among the groups gnomAD compares: South Asian, 0.0011%; no homozygotes.

Submission:

Labcorp Genetics (formerly Invitae), Labcorp
Classification: Uncertain significance for Benign neonatal seizures. Last evaluated: 2024-06-15. Review status: criteria provided, single submitter. Criteria: Invitae Variant Classification Sherloc (09022015). Collection method: clinical testing. Allele origin: germline.
Comment: This sequence change replaces asparagine, which is neutral and polar, with serine, which is neutral and polar, at codon 439 of the KCNQ3 protein (p.Asn439Ser). This variant is not present in population databases (gnomAD no frequency). This variant has not been reported in the literature in individuals affected with KCNQ3-related conditions. Advanced modeling of protein sequence and biophysical properties (such as structural, functional, and spatial information, amino acid conservation, physicochemical variation, residue mobility, and thermodynamic stability) performed at Invitae indicates that this missense variant is not expected to disrupt KCNQ3 protein function with a negative predictive value of 80%. In summary, the available evidence is currently insufficient to determine the role of this variant in disease. Therefore, it has been classified as a Variant of Uncertain Significance.

NM_004519.4(KCNQ3):c.1316A>G (p.Asn439Ser)

Gene: KCNQ3 (potassium voltage-gated channel subfamily Q member 3; minus strand). Cytogenetic location: 8q24.22.
Variant type: single nucleotide variant.
Coding change: c.1316A>G on transcript NM_004519.4 (MANE Select); coding-DNA position 1316, A replaced by G.
Protein change: p.Asn439Ser; replaces asparagine 439 with serine.
Molecular consequence: missense variant.
Genome position (GRCh38, 1-based): chr8:132,141,278, T>C on the plus strand (A>G on the coding strand, the complement: KCNQ3 is on the minus strand). VCF-style: chr8-132141278-T-C. GRCh37 (hg19) VCF-style: chr8-133153525-T-C.
Other names: c.956A>G, p.Asn319Ser (NM_001204824.2); short protein forms N439S, N319S.
Identifiers: ClinVar variation 3638709 (VCV003638709.2).